The following is an entry in ClinVar:

NM_001164665.2(KIAA1549):c.2437G>A (p.Asp813Asn)

Gene: KIAA1549 (KIAA1549; minus strand). Cytogenetic location: 7q34.
Variant type: single nucleotide variant.
Coding change: c.2437G>A on transcript NM_001164665.2 (MANE Select); coding-DNA position 2437, G replaced by A.
Protein change: p.Asp813Asn; replaces aspartic acid 813 with asparagine.
Molecular consequence: missense variant.
Genome position (GRCh38, 1-based): chr7:138,917,189, C>T on the plus strand (G>A on the coding strand, the complement: KIAA1549 is on the minus strand). VCF-style: chr7-138917189-C-T. GRCh37 (hg19) VCF-style: chr7-138601935-C-T.
Other names: c.2437G>A, p.Asp813Asn (NM_020910.3); short protein forms D813N.
Identifiers: ClinVar variation 2038582 (VCV002038582.1), dbSNP rs780555852, ClinGen allele CA4506510.

ClinVar aggregate classification (germline): Uncertain significance (1 of 4 stars; one submission).

Allele frequency attached by ClinVar (database versions not stated): gnomAD 0.00001; TOPMed 0.00001; gnomAD exomes 0.00002; ExAC 0.00003; 1000 Genomes Project 30x 0.00016.
gnomAD v4.1: 30 of 1,613,834 alleles (0.0019%); highest among the groups gnomAD compares: South Asian, 0.022%; no homozygotes.

Submission:

Labcorp Genetics (formerly Invitae), Labcorp
Classification: Uncertain significance. Last evaluated: 2021-12-09. Review status: criteria provided, single submitter. Criteria: Invitae Variant Classification Sherloc (09022015). Collection method: clinical testing. Allele origin: germline.
Comment: This sequence change replaces aspartic acid, which is acidic and polar, with asparagine, which is neutral and polar, at codon 813 of the KIAA1549 protein (p.Asp813Asn). This variant is present in population databases (rs780555852, gnomAD 0.02%). This variant has not been reported in the literature in individuals affected with KIAA1549-related conditions. Algorithms developed to predict the effect of missense changes on protein structure and function (SIFT, PolyPhen-2, Align-GVGD) all suggest that this variant is likely to be tolerated. In summary, the available evidence is currently insufficient to determine the role of this variant in disease. Therefore, it has been classified as a Variant of Uncertain Significance.